The following is an entry in ClinVar:

ClinVar aggregate classification (germline): Uncertain significance (1 of 4 stars; one submission).

Conditions:
LAMA2-related muscular dystrophy (LAMA2-RD). Also called: Laminin alpha 2-related dystrophy. Identifiers: MedGen C5679788, MONDO:0100228.

Allele frequency attached by ClinVar (database versions not stated): gnomAD exomes below 0.00001; ExAC 0.00002.
gnomAD v4.1: 1 of 1,601,520 alleles (0.000062%); highest among the groups gnomAD compares: East Asian, 0.0022%; no homozygotes.

Submission:

Labcorp Genetics (formerly Invitae), Labcorp
Classification: Uncertain significance for LAMA2-related muscular dystrophy. Last evaluated: 2021-09-17. Review status: criteria provided, single submitter. Criteria: Invitae Variant Classification Sherloc (09022015). Collection method: clinical testing. Allele origin: germline.
Comment: This sequence change replaces isoleucine with valine at codon 2441 of the LAMA2 protein (p.Ile2441Val). The isoleucine residue is moderately conserved and there is a small physicochemical difference between isoleucine and valine. This variant is present in population databases (rs761249176, ExAC 0.01%). This variant has not been reported in the literature in individuals affected with LAMA2-related conditions. Advanced modeling of protein sequence and biophysical properties (such as structural, functional, and spatial information, amino acid conservation, physicochemical variation, residue mobility, and thermodynamic stability) performed at Invitae indicates that this missense variant is not expected to disrupt LAMA2 protein function. In summary, the available evidence is currently insufficient to determine the role of this variant in disease. Therefore, it has been classified as a Variant of Uncertain Significance.

NM_000426.4(LAMA2):c.7321A>G (p.Ile2441Val)

Gene: LAMA2 (laminin subunit alpha 2; plus strand). Cytogenetic location: 6q22.33.
Variant type: single nucleotide variant.
Coding change: c.7321A>G on transcript NM_000426.4 (MANE Select); coding-DNA position 7321, A replaced by G.
Protein change: p.Ile2441Val; replaces isoleucine 2441 with valine.
Molecular consequence: missense variant.
Genome position (GRCh38, 1-based): chr6:129,473,234, A>G. VCF-style: chr6-129473234-A-G. GRCh37 (hg19) VCF-style: chr6-129794379-A-G.
Other names: c.7321A>G, p.Ile2441Val (NM_001079823.2); short protein forms I2441V.
Identifiers: ClinVar variation 1469316 (VCV001469316.5), dbSNP rs761249176, ClinGen allele CA3994518.